The following is an entry in ClinVar:

ClinVar aggregate classification (germline): Uncertain significance (1 of 4 stars; one submission).

Conditions:
Primary ciliary dyskinesia. Also called: Ciliary dyskinesia. Identifiers: Orphanet 244, MedGen C0008780, MONDO:0016575, HP:0012265.

gnomAD v4.1: 8 of 1,613,888 alleles (0.0005%); highest among the groups gnomAD compares: Non-Finnish European, 0.00068%; no homozygotes.

Submission:

Ambry Genetics
Classification: Uncertain significance for Primary ciliary dyskinesia. Last evaluated: 2025-03-25. Review status: criteria provided, single submitter. Criteria: Ambry Variant Classification Scheme 2023. Collection method: clinical testing. Allele origin: germline.
Comment: The p.D128G variant (also known as c.383A>G), located in coding exon 3 of the DNAI2 gene, results from an A to G substitution at nucleotide position 383. The aspartic acid at codon 128 is replaced by glycine, an amino acid with similar properties. This amino acid position is conserved. In addition, this alteration is predicted to be tolerated by in silico analysis. Based on the available evidence, the clinical significance of this variant remains unclear.

NM_023036.6(DNAI2):c.383A>G (p.Asp128Gly)

Gene: DNAI2 (dynein axonemal intermediate chain 2; plus strand). Cytogenetic location: 17q25.1.
Variant type: single nucleotide variant.
Coding change: c.383A>G on transcript NM_023036.6 (MANE Select); coding-DNA position 383, A replaced by G.
Protein change: p.Asp128Gly; replaces aspartic acid 128 with glycine.
Molecular consequence: missense variant.
Genome position (GRCh38, 1-based): chr17:74,287,014, A>G. VCF-style: chr17-74287014-A-G. GRCh37 (hg19) VCF-style: chr17-72283153-A-G.
Other names: c.383A>G, p.Asp128Gly (NM_001172810.3, NM_001353167.2); short protein forms D128G.
Identifiers: ClinVar variation 4013412 (VCV004013412.1).